The following is an entry in ClinVar:

ClinVar aggregate classification (germline): Uncertain significance (1 of 4 stars; one submission).

Allele frequency attached by ClinVar (database versions not stated): gnomAD exomes 0.00002; TOPMed 0.00002; 1000 Genomes Project 0.00040; gnomAD 0.00001 and 0.00003; ExAC 0.00002; 1000 Genomes Project 30x 0.00047.
gnomAD v4.1: 26 of 1,614,134 alleles (0.0016%); highest among the groups gnomAD compares: Admixed American, 0.012%; no homozygotes.

Submission:

Ambry Genetics
Classification: Uncertain significance. Last evaluated: 2025-12-08. Review status: criteria provided, single submitter. Criteria: Ambry Variant Classification Scheme 2023. Collection method: clinical testing. Allele origin: germline.

NM_177963.4(SYT12):c.791C>T (p.Pro264Leu)

Gene: SYT12 (synaptotagmin 12; plus strand). Cytogenetic location: 11q13.2.
Variant type: single nucleotide variant.
Coding change: c.791C>T on transcript NM_177963.4 (MANE Select); coding-DNA position 791, C replaced by T.
Protein change: p.Pro264Leu; replaces proline 264 with leucine.
Molecular consequence: missense variant.
Genome position (GRCh38, 1-based): chr11:67,043,807, C>T. VCF-style: chr11-67043807-C-T. GRCh37 (hg19) VCF-style: chr11-66811278-C-T.
Other names: c.791C>T, p.Pro264Leu (NM_001177880.2); c.446C>T, p.Pro149Leu (NM_001318773.2, NM_001318775.2); short protein forms P264L, P149L.
Identifiers: ClinVar variation 441144 (VCV000441144.3), dbSNP rs201856506, ClinGen allele CA6132621.